The following is an entry in ClinVar:

NM_014423.4(AFF4):c.1578C>T (p.Ser526=)

Gene: AFF4 (ALF transcription elongation factor 4; minus strand). Cytogenetic location: 5q31.1.
Variant type: single nucleotide variant.
Coding change: c.1578C>T on transcript NM_014423.4 (MANE Select); coding-DNA position 1578, C replaced by T.
Protein change: p.Ser526=; no amino-acid change (serine 526 retained).
Molecular consequence: synonymous variant.
Genome position (GRCh38, 1-based): chr5:132,897,052, G>A on the plus strand (C>T on the coding strand, the complement: AFF4 is on the minus strand). VCF-style: chr5-132897052-G-A. GRCh37 (hg19) VCF-style: chr5-132232744-G-A.
Identifiers: ClinVar variation 3033010 (VCV003033010.10), dbSNP rs746609015, ClinGen allele CA3409066.

ClinVar aggregate classification (germline): Likely benign. Review status: criteria provided, single submitter (1 of 4 stars). 2 submissions from 2 submitters: Likely benign (1). 1 of the submissions does not count toward it. Last evaluated 2025-08-01.

Conditions:
AFF4-related disorder. Also called: AFF4-related condition.

Allele frequency attached by ClinVar (database versions not stated): ExAC 0.00001; TOPMed 0.00002; gnomAD 0.00003; gnomAD exomes 0.00003.
gnomAD v4.1: 48 of 1,613,958 alleles (0.003%); highest among the groups gnomAD compares: Non-Finnish European, 0.0036%; no homozygotes.

Submissions (2):

CeGaT Center for Human Genetics Tuebingen
Classification: Likely benign. Last evaluated: 2025-08-01. Review status: criteria provided, single submitter. Criteria: CeGaT Center For Human Genetics Tuebingen Variant Classification Criteria Version 2. Collection method: clinical testing. Allele origin: germline. Affected: yes. Observed: 1 variant allele.
Comment: AFF4: BP4, BP7

PreventionGenetics, part of Exact Sciences
Classification: Likely benign for AFF4-related condition. Last evaluated: 2023-07-04. Review status: no assertion criteria provided. Collection method: clinical testing. Allele origin: germline. Not counted in ClinVar's aggregate classification.
Comment: This variant is classified as likely benign based on ACMG/AMP sequence variant interpretation guidelines (Richards et al. 2015 PMID: 25741868, with internal and published modifications).